The following is an entry in ClinVar:

NM_020207.7(ERCC6L2):c.1360A>G (p.Lys454Glu)

Gene: ERCC6L2 (ERCC excision repair 6 like 2; plus strand). Cytogenetic location: 9q22.32.
Variant type: single nucleotide variant.
Coding change: c.1360A>G on transcript NM_020207.7 (MANE Select); coding-DNA position 1360, A replaced by G.
Protein change: p.Lys454Glu; replaces lysine 454 with glutamic acid.
Molecular consequence: missense variant. On other transcripts: non-coding transcript variant (1).
Genome position (GRCh38, 1-based): chr9:95,922,365, A>G. VCF-style: chr9-95922365-A-G. GRCh37 (hg19) VCF-style: chr9-98684647-A-G.
Other names: c.1360A>G, p.Lys454Glu (NM_001010895.4, NM_001375291.1, NM_001375292.1 and 2 more transcripts); short protein forms K454E.
Identifiers: ClinVar variation 4019371 (VCV004019371.1).

ClinVar aggregate classification (germline): Uncertain significance (1 of 4 stars; one submission).

Conditions:
Inborn genetic diseases. Identifiers: MedGen C0950123, MeSH D030342.

gnomAD v4.1: 2 of 1,613,700 alleles (0.00012%); highest among the groups gnomAD compares: Non-Finnish European, 0.00017%; no homozygotes.

Submission:

Ambry Genetics
Classification: Uncertain significance for Inborn genetic diseases. Last evaluated: 2025-05-23. Review status: criteria provided, single submitter. Criteria: Ambry Variant Classification Scheme 2023. Collection method: clinical testing. Allele origin: germline.
Comment: The p.K454E variant (also known as c.1360A>G), located in coding exon 8 of the ERCC6L2 gene, results from an A to G substitution at nucleotide position 1360. The lysine at codon 454 is replaced by glutamic acid, an amino acid with similar properties. This amino acid position is conserved. In addition, this alteration is predicted to be deleterious by in silico analysis. Based on the available evidence, the clinical significance of this variant remains unclear.